The following is an entry in ClinVar:

NM_015158.5(KANK1):c.197G>A (p.Arg66Lys)

Gene: KANK1 (KN motif and ankyrin repeat domains 1; plus strand). Cytogenetic location: 9p24.3.
Variant type: single nucleotide variant.
Coding change: c.197G>A on transcript NM_015158.5 (MANE Select); coding-DNA position 197, G replaced by A.
Protein change: p.Arg66Lys; replaces arginine 66 with lysine.
Molecular consequence: missense variant. On other transcripts: 5 prime UTR variant (12), non-coding transcript variant (1).
Genome position (GRCh38, 1-based): chr9:710,963, G>A. VCF-style: chr9-710963-G-A. GRCh37 (hg19) VCF-style: chr9-710963-G-A.
Other names: c.197G>A, p.Arg66Lys (NM_001256876.3, NM_001256877.3, NM_001354331.2 and 2 more transcripts); c.-278G>A (NM_001354333.2, NM_001354335.2, NM_001354336.2 and 9 more transcripts); short protein forms R66K.
Identifiers: ClinVar variation 2084893 (VCV002084893.4), dbSNP rs142861819, ClinGen allele CA4959874.

ClinVar aggregate classification (germline): Uncertain significance (1 of 4 stars; one submission).

Allele frequency attached by ClinVar (database versions not stated): ExAC 0.00009; ESP Exome Variant Server 0.00023; TOPMed 0.00030; gnomAD 0.00033; 1000 Genomes Project 30x 0.00078; 1000 Genomes Project 0.00080.
gnomAD v4.1: 81 of 1,614,188 alleles (0.005%); highest among the groups gnomAD compares: African/African-American, 0.1%; no homozygotes.

Submission:

Labcorp Genetics (formerly Invitae), Labcorp
Classification: Uncertain significance. Last evaluated: 2025-12-02. Review status: criteria provided, single submitter. Criteria: Invitae Variant Classification Sherloc (09022015). Collection method: clinical testing. Allele origin: germline.
Comment: This sequence change replaces arginine, which is basic and polar, with lysine, which is basic and polar, at codon 66 of the KANK1 protein (p.Arg66Lys). This variant is present in population databases (rs142861819, gnomAD 0.1%), and has an allele count higher than expected for a pathogenic variant. This variant has not been reported in the literature in individuals affected with KANK1-related conditions. ClinVar contains an entry for this variant (Variation ID: 2084893). An algorithm developed to predict the effect of missense changes on protein structure and function outputs the following: PolyPhen-2: "Benign". The lysine amino acid residue is found in multiple mammalian species, which suggests that this missense change does not adversely affect protein function. In summary, the available evidence is currently insufficient to determine the role of this variant in disease. Therefore, it has been classified as a Variant of Uncertain Significance.